The following is an entry in ClinVar:

NM_001478.5(B4GALNT1):c.793G>A (p.Gly265Arg)

Gene: B4GALNT1 (beta-1,4-N-acetyl-galactosaminyltransferase 1; minus strand). Cytogenetic location: 12q13.3.
Variant type: single nucleotide variant.
Coding change: c.793G>A on transcript NM_001478.5 (MANE Select); coding-DNA position 793, G replaced by A.
Protein change: p.Gly265Arg; replaces glycine 265 with arginine.
Molecular consequence: missense variant.
Genome position (GRCh38, 1-based): chr12:57,629,066, C>T on the plus strand (G>A on the coding strand, the complement: B4GALNT1 is on the minus strand). VCF-style: chr12-57629066-C-T. GRCh37 (hg19) VCF-style: chr12-58022849-C-T.
Other names: p.Gly265Arg; c.628G>A, p.Gly210Arg (NM_001276468.2); short protein forms G265R, G210R.
Identifiers: ClinVar variation 239026 (VCV000239026.50), dbSNP rs144922627, ClinGen allele CA6655644.

ClinVar aggregate classification (germline): Benign/Likely benign. Review status: criteria provided, multiple submitters, no conflicts (2 of 4 stars). 7 submissions from 7 submitters: Benign (4); Likely benign (2). 1 of the submissions does not count toward it. Last evaluated 2026-07-01.

Conditions:
B4GALNT1-related disorder. Also called: B4GALNT1-related condition.
Spastic paraplegia. Identifiers: MedGen C0037772, HP:0001258.
Hereditary spastic paraplegia 26 (SPG26). Also called: SPASTIC PARAPLEGIA 26, AUTOSOMAL RECESSIVE. Identifiers: Orphanet 101006, MedGen C1836632, MONDO:0012213, OMIM 609195.

Allele frequency attached by ClinVar (database versions not stated): gnomAD exomes 0.00373; ESP Exome Variant Server 0.00169; TOPMed 0.00199; 1000 Genomes Project 30x 0.00250; 1000 Genomes Project 0.00260; gnomAD 0.00325 and 0.00332; ExAC 0.00363.

Submissions (7):

CeGaT Center for Human Genetics Tuebingen
Classification: Benign. Last evaluated: 2026-07-01. Review status: criteria provided, single submitter. Criteria: CeGaT Center For Human Genetics Tuebingen Variant Classification Criteria Version 2. Collection method: clinical testing. Allele origin: germline. Affected: yes. Observed: 9 variant alleles.
Comment: B4GALNT1: BP4, BS1, BS2

Labcorp Genetics (formerly Invitae), Labcorp
Classification: Benign for Spastic paraplegia. Last evaluated: 2026-01-12. Review status: criteria provided, single submitter. Criteria: Invitae Variant Classification Sherloc (09022015). Collection method: clinical testing. Allele origin: germline.

Mayo Clinic Laboratories, Mayo Clinic
Classification: Benign. Last evaluated: 2020-07-23. Review status: criteria provided, single submitter. Criteria: ACMG Guidelines, 2015. Collection method: clinical testing. Allele origin: germline. Observed: 9 variant alleles.

Centre for Mendelian Genomics, University Medical Centre Ljubljana
Classification: Benign for Hereditary spastic paraplegia 26. Last evaluated: 2019-03-27. Review status: criteria provided, single submitter. Criteria: ACMG Guidelines, 2015. Collection method: clinical testing. Allele origin: unknown. Affected: yes.
Comment: This variant was classified as: Benign. The following ACMG criteria were applied in classifying this variant: BS1,BS2.

GeneDx
Classification: Likely benign. Last evaluated: 2017-01-26. Review status: criteria provided, single submitter. Criteria: GeneDx Variant Classification (06012015). Collection method: clinical testing. Allele origin: germline. Affected: yes.
Comment: This variant is considered likely benign or benign based on one or more of the following criteria: it is a conservative change, it occurs at a poorly conserved position in the protein, it is predicted to be benign by multiple in silico algorithms, and/or has population frequency not consistent with disease.

Center for Pediatric Genomic Medicine, Children's Mercy Hospital and Clinics
Classification: Likely benign. Last evaluated: 2016-12-29. Review status: criteria provided, single submitter. Criteria: ACMG Guidelines, 2015. Collection method: clinical testing. Allele origin: germline.
ClinVar note: Converted during submission from Likely Benign to Likely benign.

PreventionGenetics, part of Exact Sciences
Classification: Benign for B4GALNT1-related condition. Last evaluated: 2020-11-02. Review status: no assertion criteria provided. Collection method: clinical testing. Allele origin: germline. Not counted in ClinVar's aggregate classification.
Comment: This variant is classified as benign based on ACMG/AMP sequence variant interpretation guidelines (Richards et al. 2015 PMID: 25741868, with internal and published modifications).